The following is an entry in ClinVar:

NM_004795.4(KL):c.452T>C (p.Ile151Thr)

Gene: KL (klotho; plus strand). Cytogenetic location: 13q13.1.
Variant type: single nucleotide variant.
Coding change: c.452T>C on transcript NM_004795.4 (MANE Select); coding-DNA position 452, T replaced by C.
Protein change: p.Ile151Thr; replaces isoleucine 151 with threonine.
Molecular consequence: missense variant.
Genome position (GRCh38, 1-based): chr13:33,016,892, T>C. VCF-style: chr13-33016892-T-C. GRCh37 (hg19) VCF-style: chr13-33591030-T-C.
Other names: short protein forms I151T.
Identifiers: ClinVar variation 3719411 (VCV003719411.2).

ClinVar aggregate classification (germline): Uncertain significance (1 of 4 stars; one submission).

gnomAD v4.1: 13 of 1,612,232 alleles (0.00081%); highest among the groups gnomAD compares: African/African-American, 0.017%; no homozygotes.

Submission:

Labcorp Genetics (formerly Invitae), Labcorp
Classification: Uncertain significance. Last evaluated: 2025-01-24. Review status: criteria provided, single submitter. Criteria: Invitae Variant Classification Sherloc (09022015). Collection method: clinical testing. Allele origin: germline.
Comment: This sequence change replaces isoleucine, which is neutral and non-polar, with threonine, which is neutral and polar, at codon 151 of the KL protein (p.Ile151Thr). This variant is present in population databases (rs140502756, gnomAD 0.03%). This variant has not been reported in the literature in individuals affected with KL-related conditions. Invitae Evidence Modeling of protein sequence and biophysical properties (such as structural, functional, and spatial information, amino acid conservation, physicochemical variation, residue mobility, and thermodynamic stability) indicates that this missense variant is not expected to disrupt KL protein function with a negative predictive value of 80%. In summary, the available evidence is currently insufficient to determine the role of this variant in disease. Therefore, it has been classified as a Variant of Uncertain Significance.